The following is an entry in ClinVar:

ClinVar aggregate classification (germline): Likely pathogenic (1 of 4 stars; one submission).

Allele frequency attached by ClinVar (database versions not stated): gnomAD 0.00001.
gnomAD v4.1: 1 of 1,613,756 alleles (0.000062%); highest among the groups gnomAD compares: African/African-American, 0.0013%; no homozygotes.

Submission:

Labcorp Genetics (formerly Invitae), Labcorp
Classification: Likely pathogenic. Last evaluated: 2023-03-27. Review status: criteria provided, single submitter. Criteria: Invitae Variant Classification Sherloc (09022015). Collection method: clinical testing. Allele origin: germline.
Comment: Algorithms developed to predict the effect of sequence changes on RNA splicing suggest that this variant may disrupt the consensus splice site. In summary, the currently available evidence indicates that the variant is pathogenic, but additional data are needed to prove that conclusively. Therefore, this variant has been classified as Likely Pathogenic. This sequence change affects an acceptor splice site in intron 11 of the LAMB3 gene. It is expected to disrupt RNA splicing. Variants that disrupt the donor or acceptor splice site typically lead to a loss of protein function (PMID: 16199547), and loss-of-function variants in LAMB3 are known to be pathogenic (PMID: 11023379, 16473856). This variant is not present in population databases (gnomAD no frequency). This variant has not been reported in the literature in individuals affected with LAMB3-related conditions. ClinVar contains an entry for this variant (Variation ID: 2022706).

Literature cited by the submitters: PubMed 16199547; PubMed 11023379; PubMed 16473856.

NM_000228.3(LAMB3):c.1289-2A>G

Gene: LAMB3 (laminin subunit beta 3; minus strand). Cytogenetic location: 1q32.2.
Variant type: single nucleotide variant.
Coding change: c.1289-2A>G on transcript NM_000228.3 (MANE Select); the canonical splice acceptor site of the intron before coding-DNA position 1289, A replaced by G.
Molecular consequence: splice acceptor variant.
Genome position (GRCh38, 1-based): chr1:209,627,581, T>C on the plus strand (A>G on the coding strand, the complement: LAMB3 is on the minus strand). VCF-style: chr1-209627581-T-C. GRCh37 (hg19) VCF-style: chr1-209800926-T-C.
Other names: c.1289-2A>G (NM_001127641.1, NM_001017402.2).
Identifiers: ClinVar variation 2022706 (VCV002022706.4), dbSNP rs1666514563, ClinGen allele CA344591382.